The following is an entry in ClinVar:

NM_000368.5(TSC1):c.1344T>C (p.Pro448=)

Gene: TSC1 (TSC complex subunit 1; minus strand). Cytogenetic location: 9q34.13.
Variant type: single nucleotide variant.
Coding change: c.1344T>C on transcript NM_000368.5 (MANE Select); coding-DNA position 1344, T replaced by C.
Protein change: p.Pro448=; no amino-acid change (proline 448 retained).
Molecular consequence: synonymous variant.
Genome position (GRCh38, 1-based): chr9:132,906,825, A>G on the plus strand (T>C on the coding strand, the complement: TSC1 is on the minus strand). VCF-style: chr9-132906825-A-G. GRCh37 (hg19) VCF-style: chr9-135782212-A-G.
Other names: c.1341T>C, p.Pro447= (NM_001162426.2); c.1191T>C, p.Pro397= (NM_001162427.2); c.981T>C, p.Pro327= (NM_001362177.2).
Identifiers: ClinVar variation 534490 (VCV000534490.15), dbSNP rs530908428, ClinGen allele CA028420.

ClinVar aggregate classification (germline): Benign/Likely benign. Review status: criteria provided, multiple submitters, no conflicts (2 of 4 stars). 4 submissions from 4 submitters: Benign (1); Likely benign (3). Last evaluated 2025-04-09.

Conditions:
Hereditary cancer-predisposing syndrome. Also called: Neoplastic Syndromes, Hereditary; Hereditary neoplastic syndrome; Tumor predisposition; Hereditary Cancer Syndrome. Identifiers: Orphanet 140162, MedGen C0027672, MeSH D009386, MONDO:0015356.
Isolated focal cortical dysplasia type II (FCORD2). Also called: CORTICAL DYSPLASIA OF TAYLOR; Focal cortical dysplasia type II. Identifiers: Orphanet 268994, MedGen C1846385, MONDO:0011818, OMIM 607341, HP:0032051.
Tuberous sclerosis 1 (TSC1). Identifiers: Orphanet 805, MedGen C1854465, MONDO:0008612, OMIM 191100.
Lymphangiomyomatosis (LAM). Also called: Lymphangioleiomyomatosis; Lymphangioleiomyomatosis, somatic. Identifiers: Orphanet 538, MedGen C0751674, MONDO:0011705, OMIM 606690.

Allele frequency attached by ClinVar (database versions not stated): ExAC 0.00001; TOPMed 0.00001; 1000 Genomes Project 30x 0.00016; 1000 Genomes Project 0.00020.
gnomAD v4.1: 4 of 1,614,096 alleles (0.00025%); highest among the groups gnomAD compares: African/African-American, 0.004%; no homozygotes.

Submissions (4):

Myriad Genetics, Inc.
Classification: Benign for Tuberous sclerosis 1. Last evaluated: 2025-04-09. Review status: criteria provided, single submitter. Criteria: Myriad Autosomal Dominant, Autosomal Recessive and X-Linked Classification Criteria (2023). Collection method: clinical testing. Allele origin: unknown.
Comment: This variant is considered benign. This variant is a silent/synonymous amino acid change and it is not expected to impact splicing.

Labcorp Genetics (formerly Invitae), Labcorp
Classification: Likely benign for Tuberous sclerosis 1. Last evaluated: 2025-03-26. Review status: criteria provided, single submitter. Criteria: Invitae Variant Classification Sherloc (09022015). Collection method: clinical testing. Allele origin: germline.

Fulgent Genetics
Classification: Likely benign for Tuberous sclerosis 1; Lymphangiomyomatosis; Isolated focal cortical dysplasia type II. Last evaluated: 2022-05-22. Review status: criteria provided, single submitter. Criteria: ACMG Guidelines, 2015. Collection method: clinical testing. Allele origin: unknown.

Ambry Genetics
Classification: Likely benign for Hereditary cancer-predisposing syndrome. Last evaluated: 2020-12-21. Review status: criteria provided, single submitter. Criteria: Ambry Variant Classification Scheme 2023. Collection method: clinical testing. Allele origin: germline.